The following is an entry in ClinVar:

ClinVar aggregate classification (germline): Conflicting classifications of pathogenicity. Review status: criteria provided, conflicting classifications (1 of 4 stars). 7 submissions from 6 submitters: Uncertain significance (6); Likely benign (1). Last evaluated 2024-11-19.

Conditions:
Inborn genetic diseases. Identifiers: MedGen C0950123, MeSH D030342.
Ectopia lentis et pupillae. Also called: ECTOPIA LENTIS WITH ECTOPIA OF PUPIL. Identifiers: Orphanet 1885, MedGen C1644196, MONDO:0009153, OMIM 225200.
Ectopia lentis 2, isolated, autosomal recessive (ECTOL2). Identifiers: Orphanet 1885, MedGen C3541474, MONDO:0009152, OMIM 225100.

Allele frequency attached by ClinVar (database versions not stated): ExAC 0.00019; gnomAD 0.00023 and 0.00024; gnomAD exomes 0.00023 and 0.00035; TOPMed 0.00024; ESP Exome Variant Server 0.00054.
gnomAD v4.1: 547 of 1,613,864 alleles (0.034%); highest among the groups gnomAD compares: Non-Finnish European, 0.044%; 1 homozygote.

Submissions (7):

Blueprint Genetics
Classification: Likely benign. Last evaluated: 2024-11-19. Review status: criteria provided, single submitter. Criteria: ACMG Guidelines, 2015. Collection method: clinical testing. Allele origin: germline.

Genome-Nilou Lab
Classification: Uncertain significance for Ectopia lentis et pupillae. Last evaluated: 2023-04-11. Review status: criteria provided, single submitter. Criteria: ACMG Guidelines, 2015. Collection method: clinical testing. Allele origin: germline. Affected: no.

Genome-Nilou Lab
Classification: Uncertain significance for Ectopia lentis 2, isolated, autosomal recessive. Last evaluated: 2023-04-11. Review status: criteria provided, single submitter. Criteria: ACMG Guidelines, 2015. Collection method: clinical testing. Allele origin: germline. Affected: no.

Ambry Genetics
Classification: Uncertain significance for Inborn genetic diseases. Last evaluated: 2022-10-26. Review status: criteria provided, single submitter. Criteria: Ambry Variant Classification Scheme 2023. Collection method: clinical testing. Allele origin: germline.

Labcorp Genetics (formerly Invitae), Labcorp
Classification: Uncertain significance. Last evaluated: 2022-10-13. Review status: criteria provided, single submitter. Criteria: Invitae Variant Classification Sherloc (09022015). Collection method: clinical testing. Allele origin: germline.
Comment: This sequence change replaces serine, which is neutral and polar, with arginine, which is basic and polar, at codon 1026 of the ADAMTSL4 protein (p.Ser1026Arg). This variant is present in population databases (rs142547900, gnomAD 0.04%). This variant has not been reported in the literature in individuals affected with ADAMTSL4-related conditions. ClinVar contains an entry for this variant (Variation ID: 876459). Advanced modeling of protein sequence and biophysical properties (such as structural, functional, and spatial information, amino acid conservation, physicochemical variation, residue mobility, and thermodynamic stability) performed at Invitae indicates that this missense variant is not expected to disrupt ADAMTSL4 protein function. In summary, the available evidence is currently insufficient to determine the role of this variant in disease. Therefore, it has been classified as a Variant of Uncertain Significance.

Illumina Laboratory Services, Illumina
Classification: Uncertain significance for Ectopia lentis 2, isolated, autosomal recessive. Last evaluated: 2018-01-12. Review status: criteria provided, single submitter. Criteria: ICSL Variant Classification Criteria 13 December 2019. Collection method: clinical testing. Allele origin: germline.

Breakthrough Genomics
Classification: Uncertain significance. Review status: criteria provided, single submitter. Criteria: ACMG Guidelines, 2015. Collection method: not provided. Allele origin: germline. Inheritance: Autosomal recessive inheritance. Affected: yes.

NM_019032.6(ADAMTSL4):c.3078C>G (p.Ser1026Arg)

Genes: ADAMTSL4 (ADAMTS like 4; plus strand), LOC129931410 (ATAC-STARR-seq lymphoblastoid active region 1691; plus strand). Cytogenetic location: 1q21.2.
Variant type: single nucleotide variant.
Coding change: c.3078C>G on transcript NM_019032.6 (MANE Select); coding-DNA position 3078, C replaced by G.
Protein change: p.Ser1026Arg; replaces serine 1026 with arginine.
Molecular consequence: missense variant.
Genome position (GRCh38, 1-based): chr1:150,559,895, C>G. VCF-style: chr1-150559895-C-G. GRCh37 (hg19) VCF-style: chr1-150532371-C-G.
Other names: c.3078C>G (NM_019032.5); c.2961C>G, p.Ser987Arg (NM_001288607.2); c.3147C>G, p.Ser1049Arg (NM_001288608.2); c.3078C>G, p.Ser1026Arg (NM_001378596.1); short protein forms S1026R, S987R, S1049R.
Identifiers: ClinVar variation 876459 (VCV000876459.11), dbSNP rs142547900, ClinGen allele CA1078935.